The following is an entry in ClinVar:

ClinVar aggregate classification (germline): Uncertain significance. Review status: criteria provided, multiple submitters, no conflicts (2 of 4 stars). 2 submissions from 2 submitters: Uncertain significance (2). Last evaluated 2024-12-03.

Conditions:
Inborn genetic diseases. Identifiers: MedGen C0950123, MeSH D030342.
Combined immunodeficiency due to LRBA deficiency. Also called: Common variable immunodeficiency 8, with autoimmunity. Identifiers: Orphanet 445018, MedGen C3553512, MONDO:0013863, OMIM 614700.

Allele frequency attached by ClinVar (database versions not stated): gnomAD exomes below 0.00001.
gnomAD v4.1: 1 of 1,613,714 alleles (0.000062%); highest among the groups gnomAD compares: Admixed American, 0.0017%; no homozygotes.

Submissions (2):

Labcorp Genetics (formerly Invitae), Labcorp
Classification: Uncertain significance for Combined immunodeficiency due to LRBA deficiency. Last evaluated: 2024-12-03. Review status: criteria provided, single submitter. Criteria: Invitae Variant Classification Sherloc (09022015). Collection method: clinical testing. Allele origin: germline.
Comment: This sequence change replaces glycine, which is neutral and non-polar, with arginine, which is basic and polar, at codon 1969 of the LRBA protein (p.Gly1969Arg). This variant is not present in population databases (gnomAD no frequency). This variant has not been reported in the literature in individuals affected with LRBA-related conditions. ClinVar contains an entry for this variant (Variation ID: 1052821). Invitae Evidence Modeling of protein sequence and biophysical properties (such as structural, functional, and spatial information, amino acid conservation, physicochemical variation, residue mobility, and thermodynamic stability) indicates that this missense variant is expected to disrupt LRBA protein function with a positive predictive value of 80%. In summary, the available evidence is currently insufficient to determine the role of this variant in disease. Therefore, it has been classified as a Variant of Uncertain Significance.

Ambry Genetics
Classification: Uncertain significance for Inborn genetic diseases. Last evaluated: 2024-07-16. Review status: criteria provided, single submitter. Criteria: Ambry Variant Classification Scheme 2023. Collection method: clinical testing. Allele origin: germline.

NM_001364905.1(LRBA):c.5905G>C (p.Gly1969Arg)

Gene: LRBA (LPS responsive beige-like anchor protein; minus strand). Cytogenetic location: 4q31.3.
Variant type: single nucleotide variant.
Coding change: c.5905G>C on transcript NM_001364905.1 (MANE Select); coding-DNA position 5905, G replaced by C.
Protein change: p.Gly1969Arg; replaces glycine 1969 with arginine.
Molecular consequence: missense variant.
Genome position (GRCh38, 1-based): chr4:150,683,567, C>G on the plus strand (G>C on the coding strand, the complement: LRBA is on the minus strand). VCF-style: chr4-150683567-C-G. GRCh37 (hg19) VCF-style: chr4-151604719-C-G.
Other names: c.5905G>C, p.Gly1969Arg (NM_001199282.3, NM_001367550.1, NM_006726.5); short protein forms G1969R.
Identifiers: ClinVar variation 1052821 (VCV001052821.8), dbSNP rs2126915768, ClinGen allele CA358610074.